The following is an entry in ClinVar:

NM_001199267.2(DGKZ):c.162-800C>T

Gene: DGKZ (diacylglycerol kinase zeta; plus strand). Cytogenetic location: 11p11.2.
Variant type: single nucleotide variant.
Coding change: c.162-800C>T on transcript NM_001199267.2 (MANE Select); 800 bases into the intron before coding-DNA position 162, C replaced by T.
Molecular consequence: intron variant. On other transcripts: missense variant (1).
Genome position (GRCh38, 1-based): chr11:46,366,491, C>T. VCF-style: chr11-46366491-C-T. GRCh37 (hg19) VCF-style: chr11-46388041-C-T.
Other names: c.235C>T, p.Pro79Ser (NM_001105540.2); c.213-800C>T (NM_201532.3); c.177-800C>T (NM_201533.3); c.162-800C>T (NM_001199266.2, NM_003646.4, NM_001199268.2); short protein forms P79S.
Identifiers: ClinVar variation 2831914 (VCV002831914.3), dbSNP rs1943272394, ClinGen allele CA380210760.

ClinVar aggregate classification (germline): Uncertain significance (1 of 4 stars; one submission).

gnomAD v4.1: 1 of 1,579,812 alleles (0.000063%); highest among the groups gnomAD compares: Non-Finnish European, 0.000086%; no homozygotes.

Submission:

Labcorp Genetics (formerly Invitae), Labcorp
Classification: Uncertain significance. Last evaluated: 2023-01-25. Review status: criteria provided, single submitter. Criteria: Invitae Variant Classification Sherloc (09022015). Collection method: clinical testing. Allele origin: germline.
Comment: This variant has not been reported in the literature in individuals affected with DGKZ-related conditions. This sequence change replaces proline, which is neutral and non-polar, with serine, which is neutral and polar, at codon 79 of the DGKZ protein (p.Pro79Ser). This variant is not present in population databases (gnomAD no frequency). Algorithms developed to predict the effect of missense changes on protein structure and function are either unavailable or do not agree on the potential impact of this missense change (SIFT: "Tolerated"; PolyPhen-2: "Probably Damaging"; Align-GVGD: "Class C0"). In summary, the available evidence is currently insufficient to determine the role of this variant in disease. Therefore, it has been classified as a Variant of Uncertain Significance.